The following is an entry in ClinVar:

NM_017909.4(RMND1):c.852G>C (p.Arg284Ser)

Gene: RMND1 (required for meiotic nuclear division 1 homolog; minus strand). Cytogenetic location: 6q25.1.
Variant type: single nucleotide variant.
Coding change: c.852G>C on transcript NM_017909.4 (MANE Select); coding-DNA position 852, G replaced by C.
Protein change: p.Arg284Ser; replaces arginine 284 with serine.
Molecular consequence: missense variant.
Genome position (GRCh38, 1-based): chr6:151,423,610, C>G on the plus strand (G>C on the coding strand, the complement: RMND1 is on the minus strand). VCF-style: chr6-151423610-C-G. GRCh37 (hg19) VCF-style: chr6-151744745-C-G.
Other names: c.342G>C, p.Arg114Ser (NM_001271937.2); short protein forms R114S, R284S.
Identifiers: ClinVar variation 1254910 (VCV001254910.13), dbSNP rs139955178, ClinGen allele CA4050885.

ClinVar aggregate classification (germline): Uncertain significance. Review status: criteria provided, multiple submitters, no conflicts (2 of 4 stars). 6 submissions from 6 submitters: Uncertain significance (6). Last evaluated 2025-12-22.

Conditions:
Inborn genetic diseases. Identifiers: MedGen C0950123, MeSH D030342.
Combined oxidative phosphorylation defect type 11. Also called: ENCEPHALONEUROMYOPATHY, INFANTILE, DUE TO MITOCHONDRIAL TRANSLATION DEFECT; Combined oxidative phosphorylation deficiency 11. Identifiers: Orphanet 324535, MedGen C5190991, MONDO:0013969, OMIM 614922.

Allele frequency attached by ClinVar (database versions not stated): ExAC 0.00019; gnomAD exomes 0.00021; TOPMed 0.00026; gnomAD 0.00027.
gnomAD v4.1: 388 of 1,613,500 alleles (0.024%); highest among the groups gnomAD compares: Admixed American, 0.053%; no homozygotes.

Submissions (6):

Labcorp Genetics (formerly Invitae), Labcorp
Classification: Uncertain significance. Last evaluated: 2025-12-22. Review status: criteria provided, single submitter. Criteria: Invitae Variant Classification Sherloc (09022015). Collection method: clinical testing. Allele origin: germline.
Comment: This sequence change replaces arginine, which is basic and polar, with serine, which is neutral and polar, at codon 284 of the RMND1 protein (p.Arg284Ser). This variant is present in population databases (rs139955178, gnomAD 0.07%). This variant has not been reported in the literature in individuals affected with RMND1-related conditions. ClinVar contains an entry for this variant (Variation ID: 1254910). Invitae Evidence Modeling of protein sequence and biophysical properties (such as structural, functional, and spatial information, amino acid conservation, physicochemical variation, residue mobility, and thermodynamic stability) indicates that this missense variant is not expected to disrupt RMND1 protein function with a negative predictive value of 80%. In summary, the available evidence is currently insufficient to determine the role of this variant in disease. Therefore, it has been classified as a Variant of Uncertain Significance.

Ambry Genetics
Classification: Uncertain significance for Inborn genetic diseases. Last evaluated: 2024-11-24. Review status: criteria provided, single submitter. Criteria: Ambry Variant Classification Scheme 2023. Collection method: clinical testing. Allele origin: germline.

Blueprint Genetics
Classification: Uncertain significance. Last evaluated: 2024-10-16. Review status: criteria provided, single submitter. Criteria: ACMG Guidelines, 2015. Collection method: clinical testing. Allele origin: germline.

GeneDx
Classification: Uncertain significance. Last evaluated: 2024-05-24. Review status: criteria provided, single submitter. Criteria: GeneDx Variant Classification Process June 2021. Collection method: clinical testing. Allele origin: germline. Affected: yes.
Comment: In silico analysis indicates that this missense variant does not alter protein structure/function; Has not been previously published as pathogenic or benign to our knowledge

Women's Health and Genetics/Laboratory Corporation of America, LabCorp
Classification: Uncertain significance. Last evaluated: 2024-05-01. Review status: criteria provided, single submitter. Criteria: LabCorp Variant Classification Summary - May 2015. Collection method: clinical testing. Allele origin: germline.
Comment: Variant summary: RMND1 c.852G>C (p.Arg284Ser) results in a non-conservative amino acid change located in the Domain of unknown function DUF155 (IPR003734) of the encoded protein sequence. Three of five in-silico tools predict a damaging effect of the variant on protein function. The variant allele was found at a frequency of 0.00021 in 251316 control chromosomes. To our knowledge, no occurrence of c.852G>C in individuals affected with Combined Oxidative Phosphorylation Defect Type 11 and no experimental evidence demonstrating its impact on protein function have been reported. ClinVar contains an entry for this variant (Variation ID: 1254910). Based on the evidence outlined above, the variant was classified as uncertain significance.

New York Genome Center
Classification: Uncertain significance for Combined oxidative phosphorylation defect type 11. Last evaluated: 2021-06-25. Review status: criteria provided, single submitter. Criteria: NYGC Assertion Criteria 2020. Collection method: clinical testing. Allele origin: inherited. Observed: 1 heterozygote. Study: CSER-NYCKidSeq.